The following is an entry in ClinVar:

NM_020738.4(KIDINS220):c.2871G>C (p.Gln957His)

Gene: KIDINS220 (kinase D interacting substrate 220; minus strand). Cytogenetic location: 2p25.1.
Variant type: single nucleotide variant.
Coding change: c.2871G>C on transcript NM_020738.4 (MANE Select); coding-DNA position 2871, G replaced by C.
Protein change: p.Gln957His; replaces glutamine 957 with histidine.
Molecular consequence: missense variant. On other transcripts: non-coding transcript variant (2).
Genome position (GRCh38, 1-based): chr2:8,770,810, C>G on the plus strand (G>C on the coding strand, the complement: KIDINS220 is on the minus strand). VCF-style: chr2-8770810-C-G. GRCh37 (hg19) VCF-style: chr2-8910940-C-G.
Other names: c.2871G>C (NM_020738.2); c.2874G>C, p.Gln958His (NM_001348729.2, NM_001348731.2, NM_001348734.2 and 3 more transcripts); c.2871G>C, p.Gln957His (NM_001348732.2, NM_001348735.2, NM_001348738.2 and 3 more transcripts); c.2745G>C, p.Gln915His (NM_001348736.2); short protein forms Q958H, Q915H, Q957H.
Identifiers: ClinVar variation 2081588 (VCV002081588.11), dbSNP rs182521570, ClinGen allele CA1519854.

ClinVar aggregate classification (germline): Conflicting classifications of pathogenicity. Review status: criteria provided, conflicting classifications (1 of 4 stars). 5 submissions from 5 submitters: Uncertain significance (4); Likely benign (1). Last evaluated 2026-09-01.

Conditions:
Inborn genetic diseases. Identifiers: MedGen C0950123, MeSH D030342.
KIDINS220-related disorder. Also called: KIDINS220-related condition.

Allele frequency attached by ClinVar (database versions not stated): gnomAD 0.00007; ESP Exome Variant Server 0.00008; gnomAD exomes 0.00008; TOPMed 0.00008; ExAC 0.00010; 1000 Genomes Project 30x 0.00031; 1000 Genomes Project 0.00040.
gnomAD v4.1: 134 of 1,605,112 alleles (0.0083%); highest among the groups gnomAD compares: Admixed American, 0.041%; no homozygotes.

Submissions (5):

CeGaT Center for Human Genetics Tuebingen
Classification: Uncertain significance. Last evaluated: 2026-09-01. Review status: criteria provided, single submitter. Criteria: CeGaT Center For Human Genetics Tuebingen Variant Classification Criteria Version 2. Collection method: clinical testing. Allele origin: germline. Affected: yes. Observed: 1 variant allele.
Comment: KIDINS220: PM2

PreventionGenetics, part of Exact Sciences
Classification: Uncertain significance for KIDINS220-related condition. Last evaluated: 2026-05-09. Review status: criteria provided, single submitter. Criteria: ACMG Guidelines, 2015. Collection method: clinical testing. Allele origin: germline.
Comment: The KIDINS220 c.2871G>C variant is predicted to result in the amino acid substitution p.Gln957His. To our knowledge, this variant has not been reported in the literature. This variant is reported in 0.047% of alleles in individuals of Latino descent in gnomAD. At this time, the clinical significance of this variant is uncertain due to the absence of conclusive functional and genetic evidence.

Labcorp Genetics (formerly Invitae), Labcorp
Classification: Uncertain significance. Last evaluated: 2025-12-19. Review status: criteria provided, single submitter. Criteria: Invitae Variant Classification Sherloc (09022015). Collection method: clinical testing. Allele origin: germline.
Comment: This sequence change replaces glutamine, which is neutral and polar, with histidine, which is basic and polar, at codon 957 of the KIDINS220 protein (p.Gln957His). This variant is present in population databases (rs182521570, gnomAD 0.05%). This variant has not been reported in the literature in individuals affected with KIDINS220-related conditions. ClinVar contains an entry for this variant (Variation ID: 2081588). An algorithm developed to predict the effect of missense changes on protein structure and function (PolyPhen-2) suggests that this variant is likely to be tolerated. In summary, the available evidence is currently insufficient to determine the role of this variant in disease. Therefore, it has been classified as a Variant of Uncertain Significance.

Women's Health and Genetics/Laboratory Corporation of America, LabCorp
Classification: Uncertain significance. Last evaluated: 2024-09-24. Review status: criteria provided, single submitter. Criteria: LabCorp Variant Classification Summary - May 2015. Collection method: clinical testing. Allele origin: germline.
Comment: Variant summary: KIDINS220 c.2871G>C (p.Gln957His) results in a non-conservative amino acid change in the encoded protein sequence. Three of five in-silico tools predict a benign effect of the variant on protein function. The variant allele was found at a frequency of 0.00011 in 243690 control chromosomes, predominantly at a frequency of 0.00046 within the Latino subpopulation in the gnomAD database, suggesting the variant may be benign. To our knowledge, no occurrence of c.2871G>C in individuals affected with Spastic Paraplegia, Intellectual Disability, Nystagmus, And Obesity and no experimental evidence demonstrating its impact on protein function have been reported. ClinVar contains an entry for this variant (Variation ID: 2081588). Based on the evidence outlined above, the variant was classified as VUS-possibly benign.

Ambry Genetics
Classification: Likely benign for Inborn genetic diseases. Last evaluated: 2021-07-23. Review status: criteria provided, single submitter. Criteria: Ambry Variant Classification Scheme 2023. Collection method: clinical testing. Allele origin: germline.